The following is an entry in ClinVar:

ClinVar aggregate classification (germline): Likely pathogenic (1 of 4 stars; one submission).

Allele frequency attached by ClinVar (database versions not stated): TOPMed below 0.00001; gnomAD 0.00001; gnomAD exomes 0.00001.
gnomAD v4.1: 20 of 1,573,476 alleles (0.0013%); highest among the groups gnomAD compares: Non-Finnish European, 0.0015%; no homozygotes.

Submission:

Labcorp Genetics (formerly Invitae), Labcorp
Classification: Likely pathogenic. Last evaluated: 2022-10-20. Review status: criteria provided, single submitter. Criteria: Invitae Variant Classification Sherloc (09022015). Collection method: clinical testing. Allele origin: germline.
Comment: This sequence change affects a donor splice site in intron 1 of the TALDO1 gene. It is expected to disrupt RNA splicing. Variants that disrupt the donor or acceptor splice site typically lead to a loss of protein function (PMID: 16199547), and loss-of-function variants in TALDO1 are known to be pathogenic (PMID: 23315216, 26238251). In summary, the currently available evidence indicates that the variant is pathogenic, but additional data are needed to prove that conclusively. Therefore, this variant has been classified as Likely Pathogenic. Algorithms developed to predict the effect of sequence changes on RNA splicing suggest that this variant may disrupt the consensus splice site. This variant has not been reported in the literature in individuals affected with TALDO1-related conditions. The frequency data for this variant in the population databases is considered unreliable, as metrics indicate poor data quality at this position in the gnomAD database.

Literature cited by the submitters: PubMed 16199547; PubMed 23315216; PubMed 26238251.

NM_006755.2(TALDO1):c.97+1G>A

Gene: TALDO1 (transaldolase 1; plus strand). Cytogenetic location: 11p15.5.
Variant type: single nucleotide variant.
Coding change: c.97+1G>A on transcript NM_006755.2 (MANE Select); the canonical splice donor site of the intron after coding-DNA position 97, G replaced by A.
Molecular consequence: splice donor variant.
Genome position (GRCh38, 1-based): chr11:747,579, G>A. VCF-style: chr11-747579-G-A. GRCh37 (hg19) VCF-style: chr11-747579-G-A.
Identifiers: ClinVar variation 1923526 (VCV001923526.5), dbSNP rs879038670, ClinGen allele CA378925238.